The following is an entry in ClinVar:

ClinVar aggregate classification (germline): association (0 of 4 stars; one submission).

Conditions:
Inflammatory bowel disease 1 (IBD1). Also called: Inflammatory bowel disease 1, Crohn disease; INFLAMMATORY BOWEL DISEASE (CROHN DISEASE) 1. Identifiers: MedGen CN260071, MONDO:0009960, OMIM 266600.

Allele frequency attached by ClinVar (database versions not stated): ExAC 0.00008; ESP Exome Variant Server 0.00008; gnomAD exomes 0.00008 and 0.00023; gnomAD 0.00011; TOPMed 0.00011.

Submission:

Human Development and Health, University of Southampton
Classification: association for Inflammatory bowel disease 1. Last evaluated: 2016-08-06. Review status: no assertion criteria provided. Collection method: research. Allele origin: inherited. Affected: yes. Study: Southampton Paediatric IBD Study.
Comment: HSPA1L Dominant negative effects - Our results indicate that de novo and rare mutations in HSPA1L are associated with IBD and provide insights into the pathogenesis of IBD

Literature cited by the submitters: PubMed 28126021.

NM_005527.4(HSPA1L):c.515_517del (p.Leu172del)

Gene: HSPA1L (heat shock protein family A (Hsp70) member 1 like; minus strand). Cytogenetic location: 6p21.33.
Variant type: Deletion.
Coding change: c.515_517del on transcript NM_005527.4 (MANE Select); coding-DNA positions 515 to 517, 3 bases deleted (TAA; older notation c.515_517delTAA).
Protein change: p.Leu172del; deletes leucine 172.
Molecular consequence: inframe deletion.
Genome position (GRCh38, 1-based): chr6:31,811,456-31,811,458, TTA deleted on the plus strand (TAA on the coding strand, the reverse complement: HSPA1L is on the minus strand). VCF-style (leftmost placement, unchanged base first): chr6-31811455-CTTA-C. GRCh37 (hg19) VCF-style: chr6-31779232-CTTA-C.
Other names: p.172del; short protein forms L172del.
Identifiers: ClinVar variation 372135 (VCV000372135.4), dbSNP rs750447828, ClinGen allele CA3724060.